The following is an entry in ClinVar:

NM_001164277.2(SLC37A4):c.399G>T (p.Gln133His)

Gene: SLC37A4 (solute carrier family 37 member 4; minus strand). Cytogenetic location: 11q23.3.
Variant type: single nucleotide variant.
Coding change: c.399G>T on transcript NM_001164277.2 (MANE Select); coding-DNA position 399, G replaced by T.
Protein change: p.Gln133His; replaces glutamine 133 with histidine.
Molecular consequence: missense variant.
Genome position (GRCh38, 1-based): chr11:119,027,855, C>A on the plus strand (G>T on the coding strand, the complement: SLC37A4 is on the minus strand). VCF-style: chr11-119027855-C-A. GRCh37 (hg19) VCF-style: chr11-118898565-C-A.
Other names: c.399G>T, p.Gln133His (NM_001164278.2, NM_001164280.2, NM_001467.6); c.180G>T, p.Gln60His (NM_001164279.2); short protein forms Q133H, Q60H.
Identifiers: ClinVar variation 1018564 (VCV001018564.5), dbSNP rs767772187, ClinGen allele CA382903998.
Genomic context (GRCh38, chr11:119,027,855, plus strand): 5'-AGGGCCCAGCCCTCCAGCCAGGTTCATGCTGGTTGACAGGATGGCCCACCAAGTGCCAAA[C>A]TGAGATGGCTCAAACCACTGTGGGGCAGAGGGCGACACGTAGGTGTCCAGCCTACTGCCC-3'
Protein context (NP_001157749.1, residues 123-143): KVLRKWFEPS[Gln133His]FGTWWAILST

ClinVar aggregate classification (germline): Uncertain significance. Review status: criteria provided, single submitter (1 of 4 stars). 2 submissions from 2 submitters: Uncertain significance (1). 1 of the submissions does not count toward it. Last evaluated 2022-03-20.

Conditions:
Glucose-6-phosphate transport defect (GSD1B). Also called: Glycogen Storage Disease Type Ib; GSD Ib. Identifiers: Orphanet 364, Orphanet 79259, MedGen C0268146, MONDO:0009288, OMIM 232220.

Allele frequency attached by ClinVar (database versions not stated): TOPMed below 0.00001.

Submissions (2):

Labcorp Genetics (formerly Invitae), Labcorp
Classification: Uncertain significance for Glucose-6-phosphate transport defect. Last evaluated: 2022-03-20. Review status: criteria provided, single submitter. Criteria: Invitae Variant Classification Sherloc (09022015). Collection method: clinical testing. Allele origin: germline.
Comment: This sequence change replaces glutamine, which is neutral and polar, with histidine, which is basic and polar, at codon 133 of the SLC37A4 protein (p.Gln133His). This variant is not present in population databases (gnomAD no frequency). This variant has not been reported in the literature in individuals affected with SLC37A4-related conditions. ClinVar contains an entry for this variant (Variation ID: 1018564). Experimental studies and prediction algorithms are not available or were not evaluated, and the functional significance of this variant is currently unknown. In summary, the available evidence is currently insufficient to determine the role of this variant in disease. Therefore, it has been classified as a Variant of Uncertain Significance.

Natera, Inc.
Classification: Uncertain significance for Glycogen storage disease type Ib. Last evaluated: 2021-05-10. Review status: no assertion criteria provided. Collection method: clinical testing. Allele origin: germline. Not counted in ClinVar's aggregate classification.